The following is an entry in ClinVar:

NM_003356.4(UCP3):c.501A>G (p.Arg167=)

Gene: UCP3 (uncoupling protein 3; minus strand). Cytogenetic location: 11q13.4.
Variant type: single nucleotide variant.
Coding change: c.501A>G on transcript NM_003356.4 (MANE Select); coding-DNA position 501, A replaced by G.
Protein change: p.Arg167=; no amino-acid change (arginine 167 retained).
Molecular consequence: synonymous variant.
Genome position (GRCh38, 1-based): chr11:74,005,770, T>C on the plus strand (A>G on the coding strand, the complement: UCP3 is on the minus strand). VCF-style: chr11-74005770-T-C. GRCh37 (hg19) VCF-style: chr11-73716815-T-C.
Other names: c.501A>G, p.Arg167= (NM_022803.3).
Identifiers: ClinVar variation 4985328 (VCV004985328.1).
Genomic context (GRCh38, chr11:74,005,770, plus strand): 5'-CGTCCAGAGTCCAGACCTACCTTTCCACAGGCCCCTGACTCCTTCCTCCCTGGCGATGGT[T>C]CTGTAGGCGTCCATAGTCCCGCTGTATTTTCTGTCGCTCCTGGATGGCCCGAGGTGTATG-3'
Protein context (NP_003347.1, residues 157-177): RKYSGTMDAY[Arg167=]TIAREEGVRG

ClinVar aggregate classification (germline): Likely benign (1 of 4 stars; one submission).

Conditions:
UCP3-related disorder. Also called: UCP3-related condition.

Submission:

PreventionGenetics, part of Exact Sciences
Classification: Likely benign for UCP3-related condition. Last evaluated: 2025-03-13. Review status: criteria provided, single submitter. Criteria: ACMG Guidelines, 2015. Collection method: clinical testing. Allele origin: germline.
Comment: This variant is classified as likely benign based on ACMG/AMP sequence variant interpretation guidelines (Richards et al. 2015 PMID: 25741868, with internal and published modifications).